The following is an entry in ClinVar:

ClinVar aggregate classification (germline): Conflicting classifications of pathogenicity. Review status: criteria provided, conflicting classifications (1 of 4 stars). 3 submissions from 3 submitters: Likely pathogenic (2); Uncertain significance (1). Last evaluated 2025-07-31.

Conditions:
X-linked Alport syndrome (ATS1). Also called: NEPHROPATHY AND DEAFNESS, X-LINKED; COL4A5-Related Nephropathy. Identifiers: Orphanet 63, Orphanet 88917, MedGen C4746986, MONDO:0010520, OMIM 301050.

Submissions (3):

Women's Health and Genetics/Laboratory Corporation of America, LabCorp
Classification: Uncertain significance. Last evaluated: 2025-07-31. Review status: criteria provided, single submitter. Criteria: LabCorp Variant Classification Summary - May 2015. Collection method: clinical testing. Allele origin: germline.
Comment: Variant summary: COL4A5 c.3712G>A (p.Gly1238Ser) results in a non-conservative amino acid change located in the Collagen triple helix repeat region (IPR008160) of the encoded protein sequence. This missense variant disrupts a glycine residue at position 1 of a Gly-X-Y repeat in the collagenous domain of the collagen IV alpha 5 chain, however, the impact of this specific amino acid change does not allow definitive categorization (PMID: 33854215). The variant was absent in 181059 control chromosomes (gnomAD). The available data on variant occurrences in the general population are insufficient to allow any conclusion about variant significance. c.3712G>A has been reported in individual(s) affected with Alport Syndrome, however no patient level evidence details were provided (LOVD). These report(s) o not provide unequivocal conclusions about association of the variant with Alport Syndrome 1, X-Linked Recessive. To our knowledge, no experimental evidence demonstrating an impact on protein function has been reported. ClinVar contains an entry for this variant (Variation ID: 1473410). Based on the evidence outlined above, the variant was classified as uncertain significance.

Fulgent Genetics
Classification: Likely pathogenic for X-linked Alport syndrome. Last evaluated: 2022-01-05. Review status: criteria provided, single submitter. Criteria: ACMG Guidelines, 2015. Collection method: clinical testing. Allele origin: unknown.

Labcorp Genetics (formerly Invitae), Labcorp
Classification: Likely pathogenic. Last evaluated: 2021-07-26. Review status: criteria provided, single submitter. Criteria: Invitae Variant Classification Sherloc (09022015). Collection method: clinical testing. Allele origin: germline.
Comment: In summary, the currently available evidence indicates that the variant is pathogenic, but additional data are needed to prove that conclusively. Therefore, this variant has been classified as Likely Pathogenic. This variant disrupts the triple helix domain of COL4A5. Glycine residues within the Gly-Xaa-Yaa repeats of the triple helix domain are required for the structure and stability of fibrillar collagens (PMID: 7695699, 8218237, 19344236). In COL4A5, missense variants at these glycine residues are significantly enriched in individuals with disease (PMID: 23720012, 27627812) compared to the general population (ExAC). Advanced modeling of protein sequence and biophysical properties (such as structural, functional, and spatial information, amino acid conservation, physicochemical variation, residue mobility, and thermodynamic stability) performed at Invitae indicates that this missense variant is expected to disrupt COL4A5 protein function. This variant has not been reported in the literature in individuals affected with COL4A5-related conditions. This variant is not present in population databases (ExAC no frequency). This sequence change replaces glycine with serine at codon 1238 of the COL4A5 protein (p.Gly1238Ser). The glycine residue is highly conserved and there is a small physicochemical difference between glycine and serine.

Literature cited by the submitters: PubMed 7695699 (cited by Labcorp Genetics (formerly Invitae), Labcorp); PubMed 8218237 (cited by Labcorp Genetics (formerly Invitae), Labcorp); PubMed 19344236 (cited by Labcorp Genetics (formerly Invitae), Labcorp); PubMed 23720012 (cited by Labcorp Genetics (formerly Invitae), Labcorp); PubMed 27627812 (cited by Labcorp Genetics (formerly Invitae), Labcorp).

NM_033380.3(COL4A5):c.3712G>A (p.Gly1238Ser)

Gene: COL4A5 (collagen type IV alpha 5 chain; plus strand). Cytogenetic location: Xq22.3.
Variant type: single nucleotide variant.
Coding change: c.3712G>A on transcript NM_033380.3 (MANE Select); coding-DNA position 3712, G replaced by A.
Protein change: p.Gly1238Ser; replaces glycine 1238 with serine.
Molecular consequence: missense variant.
Genome position (GRCh38, 1-based): chrX:108,668,426, G>A. VCF-style: chrX-108668426-G-A. GRCh37 (hg19) VCF-style: chrX-107911656-G-A.
Other names: c.3712G>A, p.Gly1238Ser (NM_000495.5); short protein forms G1238S.
Identifiers: ClinVar variation 1473410 (VCV001473410.9), dbSNP rs2147959471, ClinGen allele CA413848883.